The following is an entry in ClinVar:

NM_005502.4(ABCA1):c.*3251T>C

Genes: ABCA1 (ATP binding cassette subfamily A member 1; minus strand), NIPSNAP3B (nipsnap homolog 3B; plus strand). Cytogenetic location: 9q31.1.
Variant type: single nucleotide variant.
Coding change: c.*3251T>C on transcript NM_005502.4 (MANE Select); 3251 bases downstream of the stop codon, T replaced by C.
Molecular consequence: 3 prime UTR variant.
Genome position (GRCh38, 1-based): chr9:104,781,064, A>G on the plus strand (T>C on the coding strand, the complement: ABCA1 is on the minus strand). VCF-style: chr9-104781064-A-G. GRCh37 (hg19) VCF-style: chr9-107543345-A-G.
Identifiers: ClinVar variation 364321 (VCV000364321.5), dbSNP rs148080589, ClinGen allele CA10631897.

ClinVar aggregate classification (germline): Benign/Likely benign. Review status: criteria provided, single submitter (1 of 4 stars). 2 submissions from 1 submitter: Benign (1); Likely benign (1). Last evaluated 2018-01-13.

Conditions:
Tangier disease (TGD). Also called: HIGH DENSITY LIPOPROTEIN DEFICIENCY, TANGIER TYPE; HIGH DENSITY LIPOPROTEIN DEFICIENCY, TYPE 1; Cholesterol thesaurismosis. Identifiers: Orphanet 31150, MedGen C0039292, MONDO:0008783, OMIM 205400.
Hypoalphalipoproteinemia, primary, 1. Identifiers: Orphanet 425, MedGen C5231558, MONDO:0011393, OMIM 604091.

Allele frequency attached by ClinVar (database versions not stated): gnomAD 0.00319 and 0.00346; TOPMed 0.00333; 1000 Genomes Project 30x 0.00344; 1000 Genomes Project 0.00379.

Submissions (2):

Illumina Laboratory Services, Illumina
Classification: Benign for Hypoalphalipoproteinemia, primary, 1. Last evaluated: 2018-01-13. Review status: criteria provided, single submitter. Criteria: ICSL Variant Classification Criteria 13 December 2019. Collection method: clinical testing. Allele origin: germline.
Comment: This variant was observed in the ICSL laboratory as part of a predisposition screen in an ostensibly healthy population. It had not been previously curated by ICSL or reported in the Human Gene Mutation Database (HGMD: prior to June 1st, 2018), and was therefore a candidate for classification through an automated scoring system. Utilizing variant allele frequency, disease prevalence and penetrance estimates, and inheritance mode, an automated score was calculated to assess if this variant is too frequent to cause the disease. Based on the score and internal cut-off values, a variant classified as benign is not then subjected to further curation. The score for this variant resulted in a classification of benign for this disease.

Illumina Laboratory Services, Illumina
Classification: Likely benign for Tangier disease. Last evaluated: 2018-01-13. Review status: criteria provided, single submitter. Criteria: ICSL Variant Classification Criteria 13 December 2019. Collection method: clinical testing. Allele origin: germline.
Comment: This variant was observed in the ICSL laboratory as part of a predisposition screen in an ostensibly healthy population. It had not been previously curated by ICSL or reported in the Human Gene Mutation Database (HGMD: prior to June 1st, 2018), and was therefore a candidate for classification through an automated scoring system. Utilizing variant allele frequency, disease prevalence and penetrance estimates, and inheritance mode, an automated score was calculated to assess if this variant is too frequent to cause the disease. Based on the score and internal cut-off values, a variant classified as likely benign is not then subjected to further curation. The score for this variant resulted in a classification of likely benign for this disease.